The following is an entry in ClinVar:

NM_006514.4(SCN10A):c.4386+1G>C

Gene: SCN10A (sodium voltage-gated channel alpha subunit 10; minus strand). Cytogenetic location: 3p22.2.
Variant type: single nucleotide variant.
Coding change: c.4386+1G>C on transcript NM_006514.4 (MANE Select); the canonical splice donor site of the intron after coding-DNA position 4386, G replaced by C.
Molecular consequence: splice donor variant.
Genome position (GRCh38, 1-based): chr3:38,707,278, C>G on the plus strand (G>C on the coding strand, the complement: SCN10A is on the minus strand). VCF-style: chr3-38707278-C-G. GRCh37 (hg19) VCF-style: chr3-38748769-C-G.
Other names: c.4092+1G>C (NM_001293307.2); c.4383+1G>C (NM_001293306.2).
Identifiers: ClinVar variation 4707063 (VCV004707063.1).
Genomic context (GRCh38, chr3:38,707,278, plus strand): 5'-GCATAGACTGTCATGTTGGATTCACAGACAGGCTGTGCTAGAGGAAACCTCTGGGGCTCA[C>G]CAGGGGCCGTGGGATGGGCTTCTGGGGCTTCTTGGAGCCCAACTTCTTCATGGCATTGTA-3'

ClinVar aggregate classification (germline): Uncertain significance (1 of 4 stars; one submission).

Conditions:
Brugada syndrome. Also called: Sudden unexpected nocturnal death syndrome; Sudden Unexplained Death Syndrome; Sudden Unexplained Nocturnal Death Syndrome (SUNDS); Sudden unexplained nocturnal death syndrome. Identifiers: Orphanet 130, MedGen C1142166, MONDO:0015263.

gnomAD v4.1: 19 of 1,613,772 alleles (0.0012%); highest among the groups gnomAD compares: Admixed American, 0.0017%; no homozygotes.

Submission:

Labcorp Genetics (formerly Invitae), Labcorp
Classification: Uncertain significance for Brugada syndrome. Last evaluated: 2026-01-16. Review status: criteria provided, single submitter. Criteria: Invitae Variant Classification Sherloc (09022015). Collection method: clinical testing. Allele origin: germline.
Comment: This sequence change affects a donor splice site in intron 25 of the SCN10A gene. It is expected to disrupt RNA splicing. Variants that disrupt the donor or acceptor splice site typically lead to a loss of protein function (PMID: 16199547), however the current clinical and genetic evidence is not sufficient to establish whether loss-of-function variants in SCN10A cause disease. This variant is present in population databases (rs767087921, gnomAD 0.006%). This variant has not been reported in the literature in individuals affected with SCN10A-related conditions. Algorithms developed to predict the effect of sequence changes on RNA splicing suggest that this variant may disrupt the consensus splice site. In summary, the available evidence is currently insufficient to determine the role of this variant in disease. Therefore, it has been classified as a Variant of Uncertain Significance.

Literature cited by the submitters: PubMed 16199547.